The following is an entry in ClinVar:

NM_001258392.3(CLPB):c.1164C>T (p.His388=)

Genes: CLPB (ClpB family mitochondrial disaggregase; minus strand), LOC126861258 (MED14-independent group 3 enhancer GRCh37_chr11:72012242-72013441; plus strand). Cytogenetic location: 11q13.4.
Variant type: single nucleotide variant.
Coding change: c.1164C>T on transcript NM_001258392.3 (MANE Select); coding-DNA position 1164, C replaced by T.
Protein change: p.His388=; no amino-acid change (histidine 388 retained).
Molecular consequence: synonymous variant.
Genome position (GRCh38, 1-based): chr11:72,302,307, G>A on the plus strand (C>T on the coding strand, the complement: CLPB is on the minus strand). VCF-style: chr11-72302307-G-A. GRCh37 (hg19) VCF-style: chr11-72013351-G-A.
Other names: c.1077C>T, p.His359= (NM_001258393.3); c.1119C>T, p.His373= (NM_001258394.3); c.1254C>T, p.His418= (NM_030813.6).
Identifiers: ClinVar variation 382586 (VCV000382586.21), dbSNP rs202009794, ClinGen allele CA6171249.

ClinVar aggregate classification (germline): Likely benign. Review status: criteria provided, multiple submitters, no conflicts (2 of 4 stars). 5 submissions from 5 submitters: Likely benign (5). Last evaluated 2026-09-18.

Conditions:
CLPB-related disorder. Also called: CLPB-related condition.
3-methylglutaconic aciduria, type VIIB (MGCA7B). Also called: 3-methylglutaconic aciduria with cataracts, neurologic involvement and neutropenia; CLPB Deficiency; 3-methylglutaconic aciduria, type VII, with cataracts, neurologic involvement and neutropenia. Identifiers: Orphanet 445038, MedGen C5676893, MONDO:0014561, OMIM 616271.

Allele frequency attached by ClinVar (database versions not stated): gnomAD 0.00031 and 0.00034; 1000 Genomes Project 0.00040; 1000 Genomes Project 30x 0.00047; TOPMed 0.00061.
gnomAD v4.1: 214 of 1,614,038 alleles (0.013%); highest among the groups gnomAD compares: Admixed American, 0.1%; 2 homozygotes.

Submissions (5):

PreventionGenetics, part of Exact Sciences
Classification: Likely benign for CLPB-related condition. Last evaluated: 2026-09-18. Review status: criteria provided, single submitter. Criteria: ACMG Guidelines, 2015. Collection method: clinical testing. Allele origin: germline.
Comment: This variant is classified as likely benign based on ACMG/AMP sequence variant interpretation guidelines (Richards et al. 2015 PMID: 25741868, with internal and published modifications).

Labcorp Genetics (formerly Invitae), Labcorp
Classification: Likely benign for 3-methylglutaconic aciduria, type VIIB. Last evaluated: 2026-01-27. Review status: criteria provided, single submitter. Criteria: Invitae Variant Classification Sherloc (09022015). Collection method: clinical testing. Allele origin: germline.

CeGaT Center for Human Genetics Tuebingen
Classification: Likely benign. Last evaluated: 2025-07-01. Review status: criteria provided, single submitter. Criteria: CeGaT Center For Human Genetics Tuebingen Variant Classification Criteria Version 2. Collection method: clinical testing. Allele origin: germline. Affected: yes. Observed: 1 variant allele.
Comment: CLPB: BP4, BP7

Blueprint Genetics
Classification: Likely benign. Last evaluated: 2024-10-22. Review status: criteria provided, single submitter. Criteria: ACMG Guidelines, 2015. Collection method: clinical testing. Allele origin: germline.

GeneDx
Classification: Likely benign. Last evaluated: 2020-12-15. Review status: criteria provided, single submitter. Criteria: GeneDx Variant Classification Process June 2021. Collection method: clinical testing. Allele origin: germline. Affected: yes.